The following is an entry in ClinVar:

NM_032043.3(BRIP1):c.3382G>C (p.Glu1128Gln)

Gene: BRIP1 (BRCA1 interacting DNA helicase 1; minus strand). Cytogenetic location: 17q23.2.
Variant type: single nucleotide variant.
Coding change: c.3382G>C on transcript NM_032043.3 (MANE Select); coding-DNA position 3382, G replaced by C.
Protein change: p.Glu1128Gln; replaces glutamic acid 1128 with glutamine.
Molecular consequence: missense variant.
Genome position (GRCh38, 1-based): chr17:61,683,664, C>G on the plus strand (G>C on the coding strand, the complement: BRIP1 is on the minus strand). VCF-style: chr17-61683664-C-G. GRCh37 (hg19) VCF-style: chr17-59761025-C-G.
Other names: short protein forms E1128Q.
Identifiers: ClinVar variation 920489 (VCV000920489.16), dbSNP rs45552539, ClinGen allele CA400478850.

ClinVar aggregate classification (germline): Uncertain significance. Review status: criteria provided, multiple submitters, no conflicts (2 of 4 stars). 3 submissions from 3 submitters: Uncertain significance (3). Last evaluated 2025-06-10.

Conditions:
Familial cancer of breast. Also called: hereditary breast carcinoma; BREAST CANCER, FAMILIAL; Hereditary breast cancer. Identifiers: Orphanet 227535, MedGen C0346153, MONDO:0016419, OMIM 114480. Disease mechanism: loss of function.
Fanconi anemia complementation group J. Also called: BRIP1-Related Fanconi Anemia. Identifiers: Orphanet 84, MedGen C1836860, MONDO:0012187, OMIM 609054.
Hereditary cancer-predisposing syndrome. Also called: Hereditary Cancer Syndrome; Hereditary neoplastic syndrome; Neoplastic Syndromes, Hereditary; Tumor predisposition. Identifiers: Orphanet 140162, MedGen C0027672, MeSH D009386, MONDO:0015356.

gnomAD v4.1: 3 of 1,613,314 alleles (0.00019%); highest among the groups gnomAD compares: East Asian, 0.0022%; no homozygotes.

Submissions (3):

Labcorp Genetics (formerly Invitae), Labcorp
Classification: Uncertain significance for Familial cancer of breast; Fanconi anemia complementation group J. Last evaluated: 2025-06-10. Review status: criteria provided, single submitter. Criteria: Invitae Variant Classification Sherloc (09022015). Collection method: clinical testing. Allele origin: germline.
Comment: This sequence change replaces glutamic acid, which is acidic and polar, with glutamine, which is neutral and polar, at codon 1128 of the BRIP1 protein (p.Glu1128Gln). This variant is not present in population databases (gnomAD no frequency). This variant has not been reported in the literature in individuals affected with BRIP1-related conditions. ClinVar contains an entry for this variant (Variation ID: 920489). Invitae Evidence Modeling of protein sequence and biophysical properties (such as structural, functional, and spatial information, amino acid conservation, physicochemical variation, residue mobility, and thermodynamic stability) indicates that this missense variant is not expected to disrupt BRIP1 protein function with a negative predictive value of 95%. In summary, the available evidence is currently insufficient to determine the role of this variant in disease. Therefore, it has been classified as a Variant of Uncertain Significance.

Color Diagnostics, LLC DBA Color Health
Classification: Uncertain significance for Hereditary cancer-predisposing syndrome. Last evaluated: 2024-03-06. Review status: criteria provided, single submitter. Criteria: ACMG Guidelines, 2015. Collection method: clinical testing. Allele origin: germline.
Comment: This missense variant replaces glutamic acid with glutamine at codon 1128 of the BRIP1 protein. Computational prediction tool suggests that this variant may not impact protein structure and function (internally defined REVEL score threshold <=0.5, PMID: 27666373). Splice site prediction tools suggest that this variant may not impact RNA splicing. To our knowledge, functional studies have not been performed for this variant. This variant has not been reported in individuals affected with hereditary cancer in the literature. This variant has not been identified in the general population by the Genome Aggregation Database (gnomAD). The available evidence is insufficient to determine the role of this variant in disease conclusively. Therefore, this variant is classified as a Variant of Uncertain Significance.

Ambry Genetics
Classification: Uncertain significance for Hereditary cancer-predisposing syndrome. Last evaluated: 2022-01-18. Review status: criteria provided, single submitter. Criteria: Ambry Variant Classification Scheme 2023. Collection method: clinical testing. Allele origin: germline.
Comment: The p.E1128Q variant (also known as c.3382G>C), located in coding exon 19 of the BRIP1 gene, results from a G to C substitution at nucleotide position 3382. The glutamic acid at codon 1128 is replaced by glutamine, an amino acid with highly similar properties. This amino acid position is conserved. In addition, this alteration is predicted to be tolerated by in silico analysis. Since supporting evidence is limited at this time, the clinical significance of this alteration remains unclear.